The following is an entry in ClinVar:

ClinVar aggregate classification (germline): Uncertain significance (1 of 4 stars; one submission).

gnomAD v4.1: 1 of 1,613,580 alleles (0.000062%); highest among the groups gnomAD compares: Middle Eastern, 0.016%; no homozygotes.

Submission:

Labcorp Genetics (formerly Invitae), Labcorp
Classification: Uncertain significance. Last evaluated: 2025-01-23. Review status: criteria provided, single submitter. Criteria: Invitae Variant Classification Sherloc (09022015). Collection method: clinical testing. Allele origin: germline.
Comment: This sequence change replaces leucine, which is neutral and non-polar, with valine, which is neutral and non-polar, at codon 41 of the FBLN5 protein (p.Leu41Val). This variant is not present in population databases (gnomAD no frequency). This variant has not been reported in the literature in individuals affected with FBLN5-related conditions. An algorithm developed to predict the effect of missense changes on protein structure and function outputs the following: PolyPhen-2: "Benign". The valine amino acid residue is found in multiple mammalian species, which suggests that this missense change does not adversely affect protein function. Algorithms developed to predict the effect of sequence changes on RNA splicing suggest that this variant may create or strengthen a splice site. In summary, the available evidence is currently insufficient to determine the role of this variant in disease. Therefore, it has been classified as a Variant of Uncertain Significance.

NM_006329.4(FBLN5):c.121T>G (p.Leu41Val)

Gene: FBLN5 (fibulin 5; minus strand). Cytogenetic location: 14q32.12.
Variant type: single nucleotide variant.
Coding change: c.121T>G on transcript NM_006329.4 (MANE Select); coding-DNA position 121, T replaced by G.
Protein change: p.Leu41Val; replaces leucine 41 with valine.
Molecular consequence: missense variant. On other transcripts: 5 prime UTR variant (2).
Genome position (GRCh38, 1-based): chr14:91,940,568, A>C on the plus strand (T>G on the coding strand, the complement: FBLN5 is on the minus strand). VCF-style: chr14-91940568-A-C. GRCh37 (hg19) VCF-style: chr14-92406912-A-C.
Other names: c.121T>G, p.Leu41Val (NM_001384158.1, NM_001384160.1); c.172T>G, p.Leu58Val (NM_001384159.1); c.-149T>G (NM_001384161.1, NM_001384162.1); short protein forms L58V, L41V.
Identifiers: ClinVar variation 3695983 (VCV003695983.2).